The following is an entry in ClinVar:

ClinVar aggregate classification (germline): Pathogenic (3 of 4 stars; one submission).

Conditions:
Lynch syndrome. Identifiers: Orphanet 144, MedGen C4552100, MONDO:0005835. Disease mechanism: loss of function.

Submission:

International Society for Gastrointestinal Hereditary Tumours (InSiGHT)
Classification: Pathogenic for Lynch Syndrome. Last evaluated: 2013-09-05. Review status: reviewed by expert panel. Criteria: Guidelines v1.9. Collection method: research. Allele origin: germline.
Comment: Coding sequence variation resulting in a stop codon

Classified with v1.9 guidelines

NM_000179.3(MSH6):c.3355G>T (p.Glu1119Ter)

Gene: MSH6 (mutS homolog 6; plus strand). Cytogenetic location: 2p16.3.
Variant type: single nucleotide variant.
Coding change: c.3355G>T on transcript NM_000179.3 (MANE Select); coding-DNA position 3355, G replaced by T.
Protein change: p.Glu1119Ter; replaces glutamic acid 1119 with a stop codon.
Molecular consequence: nonsense.
Genome position (GRCh38, 1-based): chr2:47,803,602, G>T. VCF-style: chr2-47803602-G-T. GRCh37 (hg19) VCF-style: chr2-48030741-G-T.
Other names: c.2965G>T, p.Glu989Ter (NM_001281492.2); c.2449G>T, p.Glu817Ter (NM_001281493.2, NM_001281494.2); short protein forms E1119*, E989*, E817*.
Identifiers: ClinVar variation 89375 (VCV000089375.2), dbSNP rs267608084, ClinGen allele CA012669.
Genomic context (GRCh38, chr2:47,803,602, plus strand): 5'-ATTACGAAGACTTTTTTTGGAGATGATTTTATTCCTAATGACATTCTAATAGGCTGTGAG[G>T]AAGAGGAGCAGGAAAATGGCAAAGCCTATTGTGTGCTTGTTACTGGACCAAATATGGGGG-3'